The following is an entry in ClinVar:

NM_000548.5(TSC2):c.4613C>T (p.Pro1538Leu)

Gene: TSC2 (TSC complex subunit 2; plus strand). Cytogenetic location: 16p13.3.
Variant type: single nucleotide variant.
Coding change: c.4613C>T on transcript NM_000548.5 (MANE Select); coding-DNA position 4613, C replaced by T.
Protein change: p.Pro1538Leu; replaces proline 1538 with leucine.
Molecular consequence: missense variant.
Genome position (GRCh38, 1-based): chr16:2,085,273, C>T. VCF-style: chr16-2085273-C-T. GRCh37 (hg19) VCF-style: chr16-2135274-C-T.
Other names: c.3881C>T, p.Pro1294Leu (NM_001318831.2); c.4445C>T, p.Pro1482Leu (NM_001318832.2); c.4415C>T, p.Pro1472Leu (NM_001363528.2); c.4481C>T, p.Pro1494Leu (NM_001370404.1); c.4484C>T, p.Pro1495Leu (NM_001370405.1, NM_021055.3); c.4412C>T, p.Pro1471Leu (NM_001077183.3); c.4544C>T, p.Pro1515Leu (NM_001114382.3); c.4304C>T, p.Pro1435Leu (NM_001318827.2); and 1 more; short protein forms P1423L, P1494L, P1294L, P1435L, P1472L, P1482L, P1495L, P1515L.
Identifiers: ClinVar variation 1038007 (VCV001038007.26), dbSNP rs753060862, ClinGen allele CA051949.

ClinVar aggregate classification (germline): Conflicting classifications of pathogenicity. Review status: criteria provided, conflicting classifications (1 of 4 stars). 4 submissions from 4 submitters: Uncertain significance (3); Benign (1). Last evaluated 2025-03-13.

Conditions:
Hereditary cancer-predisposing syndrome. Also called: Tumor predisposition; Hereditary neoplastic syndrome; Neoplastic Syndromes, Hereditary; Hereditary Cancer Syndrome. Identifiers: Orphanet 140162, MedGen C0027672, MeSH D009386, MONDO:0015356.
Tuberous sclerosis syndrome (TSC). Also called: Tuberous Sclerosis Complex; Tuberous sclerosis. Identifiers: Orphanet 805, MedGen C0041341, MONDO:0001734.
Tuberous sclerosis 2 (TSC2). Identifiers: Orphanet 805, MedGen C1860707, MONDO:0013199, OMIM 613254.

Allele frequency attached by ClinVar (database versions not stated): ExAC 0.00002.
gnomAD v4.1: 3 of 1,612,758 alleles (0.00019%); highest among the groups gnomAD compares: South Asian, 0.0033%; no homozygotes.

Submissions (4):

Ambry Genetics
Classification: Uncertain significance for Hereditary cancer-predisposing syndrome. Last evaluated: 2025-03-13. Review status: criteria provided, single submitter. Criteria: Ambry Variant Classification Scheme 2023. Collection method: clinical testing. Allele origin: germline.
Comment: The p.P1538L variant (also known as c.4613C>T), located in coding exon 35 of the TSC2 gene, results from a C to T substitution at nucleotide position 4613. The proline at codon 1538 is replaced by leucine, an amino acid with similar properties. This amino acid position is highly conserved in available vertebrate species. In addition, this alteration is predicted to be deleterious by in silico analysis. Based on the available evidence, the clinical significance of this variant remains unclear.

CeGaT Center for Human Genetics Tuebingen
Classification: Uncertain significance. Last evaluated: 2025-02-01. Review status: criteria provided, single submitter. Criteria: CeGaT Center For Human Genetics Tuebingen Variant Classification Criteria Version 2. Collection method: clinical testing. Allele origin: germline. Affected: yes. Observed: 1 variant allele.
Comment: TSC2: PM2, PP3

Labcorp Genetics (formerly Invitae), Labcorp
Classification: Benign for Tuberous sclerosis 2. Last evaluated: 2024-05-22. Review status: criteria provided, single submitter. Criteria: Invitae Variant Classification Sherloc (09022015). Collection method: clinical testing. Allele origin: germline.

All of Us Research Program, National Institutes of Health
Classification: Uncertain significance for Tuberous sclerosis syndrome. Last evaluated: 2023-07-10. Review status: criteria provided, single submitter. Criteria: ACMG Guidelines, 2015. Collection method: clinical testing. Allele origin: germline. Inheritance: Autosomal dominant inheritance. Observed: 1 variant allele, 1 heterozygote.
Comment: This missense variant replaces proline with leucine at codon 1538 of the TSC2 protein. Computational prediction suggests that this variant may have deleterious impact on protein structure and function (internally defined REVEL score threshold >= 0.7, PMID: 27666373). To our knowledge, functional studies have not been reported for this variant. This variant has not been reported in individuals affected with TSC2-related disorders in the literature. This variant has been identified in 1/250006 chromosomes in the general population by the Genome Aggregation Database (gnomAD). The available evidence is insufficient to determine the role of this variant in disease conclusively. Therefore, this variant is classified as a Variant of Uncertain Significance.

This study involves interpretation of variants in research participants for the purpose of population health screening. Participant phenotype was not available at the time of variant classification. Additional details can be found in publication PMID: 35346344, PMCID: PMC8962531